The following is an entry in ClinVar:

ClinVar aggregate classification (germline): Uncertain significance. Review status: criteria provided, multiple submitters, no conflicts (2 of 4 stars). 2 submissions from 2 submitters: Uncertain significance (2). Last evaluated 2025-04-01.

Conditions:
MRPS2-related disorder. Also called: MRPS2-related condition.

Allele frequency attached by ClinVar (database versions not stated): gnomAD 0.00001; gnomAD exomes 0.00003; TOPMed 0.00003.
gnomAD v4.1: 41 of 1,613,496 alleles (0.0025%); highest among the groups gnomAD compares: East Asian, 0.0089%; no homozygotes.

Submissions (2):

PreventionGenetics, part of Exact Sciences
Classification: Uncertain significance for MRPS2-related condition. Last evaluated: 2025-04-01. Review status: criteria provided, single submitter. Criteria: ACMG Guidelines, 2015. Collection method: clinical testing. Allele origin: germline.
Comment: The MRPS2 c.577A>G variant is predicted to result in the amino acid substitution p.Ile193Val. To our knowledge, this variant has not been reported in the literature. This variant is reported in 0.015% of alleles in individuals of East Asian descent in gnomAD. At this time, the clinical significance of this variant is uncertain due to the absence of conclusive functional and genetic evidence.

Ambry Genetics
Classification: Uncertain significance. Last evaluated: 2021-08-28. Review status: criteria provided, single submitter. Criteria: Ambry Variant Classification Scheme 2023. Collection method: clinical testing. Allele origin: germline.

NM_016034.5(MRPS2):c.577A>G (p.Ile193Val)

Genes: MRPS2 (mitochondrial ribosomal protein S2; plus strand), LOC101928525 (uncharacterized LOC101928525; minus strand). Cytogenetic location: 9q34.3.
Variant type: single nucleotide variant.
Coding change: c.577A>G on transcript NM_016034.5 (MANE Select); coding-DNA position 577, A replaced by G.
Protein change: p.Ile193Val; replaces isoleucine 193 with valine.
Molecular consequence: missense variant. On other transcripts: non-coding transcript variant (4).
Genome position (GRCh38, 1-based): chr9:135,503,819, A>G. VCF-style: chr9-135503819-A-G. GRCh37 (hg19) VCF-style: chr9-138395665-A-G.
Other names: c.577A>G, p.Ile193Val (NM_001371401.1); c.577A>G (NM_016034.4); short protein forms I193V.
Identifiers: ClinVar variation 3208967 (VCV003208967.2), dbSNP rs1489557006, ClinGen allele CA375484859.
Genomic context (GRCh38, chr9:135,503,819, plus strand): 5'-GGCGGCATGCTGACCAACGCGCGCCTCCTCTTTGGCCCCACGGTCCGCCTGCCGGACCTC[A>G]TCATCTTCCTGCACACGCTCAACAACATCTTTGAGCCACACGTGGCCGTGAGAGACGCAG-3'
Protein context (NP_057118.1, residues 183-203): FGPTVRLPDL[Ile193Val]IFLHTLNNIF